The following is an entry in ClinVar:

NM_000233.4(LHCGR):c.709del (p.Leu237fs)

Genes: STON1-GTF2A1L (STON1-GTF2A1L readthrough; plus strand), LHCGR (luteinizing hormone/choriogonadotropin receptor; minus strand). Cytogenetic location: 2p16.3.
Variant type: Deletion.
Coding change: c.709del on transcript NM_000233.4 (MANE Select); coding-DNA position 709, one base deleted (C; older notation c.709delC).
Protein change: p.Leu237fs; shifts the reading frame from leucine 237.
Molecular consequence: frameshift variant. On other transcripts: intron variant (1).
Genome position (GRCh38, 1-based): chr2:48,698,772, G deleted on the plus strand (C on the coding strand, the reverse complement: LHCGR is on the minus strand); the first of 3 consecutive G bases (chr2:48,698,772-48,698,774); deleting any one gives the same sequence. VCF-style (leftmost placement, unchanged base first): chr2-48698771-AG-A. GRCh37 (hg19) VCF-style: chr2-48925910-AG-A.
Other names: c.3441+27094del (NM_001198593.2); short protein forms L237fs.
Identifiers: ClinVar variation 545665 (VCV000545665.3), dbSNP rs1553387851, ClinGen allele CA658822355.

ClinVar aggregate classification (germline): Likely pathogenic (0 of 4 stars; one submission).

Conditions:
Leydig cell agenesis. Also called: HYPERGONADOTROPIC HYPOGONADISM, MALE, DUE TO LHCGR DEFECT; Leydig cell hypoplasia, type 1; LEYDIG CELL HYPOPLASIA WITH MALE PSEUDOHERMAPHRODITISM; LEYDIG CELL HYPOPLASIA, COMPLETE. Identifiers: MedGen C0266432, MONDO:0009384, OMIM 238320.

Submission:

Magee Womens Research Institute, University of Pittsburgh Medical Center
Classification: Likely pathogenic for Leydig cell agenesis. Last evaluated: 2018-03-08. Review status: no assertion criteria provided. Collection method: research. Allele origin: germline. Inheritance: Autosomal recessive inheritance. Affected: yes. Observed: 1 variant allele, 1 homozygote.
Comment: The p.L237fs variant is a one bp homozygous recessive frame shift deletion. The mutation is not be reported before. Mutation in LHCGR can casuse Luteinizing hormone resistance in female has been reported in multiple literatures. Arnhold et al. (2009); Wu and Chan (1999); Toledo et al. (1996); According the ACMG standard, this variant can be classified as likely pathogenic.